The following is an entry in ClinVar:

NM_004168.4(SDHA):c.313-14G>T

Gene: SDHA (succinate dehydrogenase complex flavoprotein subunit A; plus strand). Cytogenetic location: 5p15.33.
Variant type: single nucleotide variant.
Coding change: c.313-14G>T on transcript NM_004168.4 (MANE Select); 14 bases into the intron before coding-DNA position 313, G replaced by T.
Molecular consequence: intron variant.
Genome position (GRCh38, 1-based): chr5:225,405, G>T. VCF-style: chr5-225405-G-T. GRCh37 (hg19) VCF-style: chr5-225520-G-T.
Other names: c.313-14G>T (NM_001330758.2); c.313-478G>T (NM_001294332.2).
Identifiers: ClinVar variation 3904642 (VCV003904642.1).

ClinVar aggregate classification (germline): Likely benign (1 of 4 stars; one submission).

Conditions:
Pheochromocytoma/paraganglioma syndrome 5. Also called: Paragangliomas 5; SDHA-Related Hereditary Paraganglioma-Pheochromocytoma Syndrome. Identifiers: Orphanet 29072, MedGen C3279992, MONDO:0013602, OMIM 614165.

Submission:

Myriad Genetics, Inc.
Classification: Likely benign for Pheochromocytoma/paraganglioma syndrome 5. Last evaluated: 2025-02-28. Review status: criteria provided, single submitter. Criteria: Myriad Autosomal Dominant, Autosomal Recessive and X-Linked Classification Criteria (2023). Collection method: clinical testing. Allele origin: unknown.
Comment: This variant is considered likely benign. This variant is intronic and is not expected to impact mRNA splicing.